The following is an entry in ClinVar:

ClinVar aggregate classification (germline): Benign/Likely benign. Review status: criteria provided, multiple submitters, no conflicts (2 of 4 stars). 14 submissions from 14 submitters: Benign (9); Likely benign (2). 3 of the submissions do not count toward it. Last evaluated 2026-02-04.

Conditions:
Retinal dystrophy. Also called: Inherited retinal dystrophy. Identifiers: Orphanet 71862, MedGen C0854723, MeSH D058499, MONDO:0019118, HP:0000556.
Retinitis pigmentosa (RP). Identifiers: Orphanet 791, MedGen C0035334, MeSH D012174, MONDO:0019200, OMIM 268000. Inheritance: Autosomal dominant, autosomal recessive and X linked inheritance.
Retinitis pigmentosa 25 (RP25). Identifiers: Orphanet 791, MedGen C1864446, MONDO:0011272, OMIM 602772.

Allele frequency attached by ClinVar (database versions not stated): 1000 Genomes Project 30x 0.59010; ExAC 0.58107; gnomAD exomes 0.62496 and 0.59077; ESP Exome Variant Server 0.49759; gnomAD 0.51803 and 0.50550; TOPMed 0.52021; 1000 Genomes Project 0.59485.
gnomAD v4.1: 904,230 of 1,548,970 alleles (58%); highest among the groups gnomAD compares: East Asian, 91%; 271,379 homozygotes.

Submissions (14):

Labcorp Genetics (formerly Invitae), Labcorp
Classification: Benign. Last evaluated: 2026-02-04. Review status: criteria provided, single submitter. Criteria: Invitae Variant Classification Sherloc (09022015). Collection method: clinical testing. Allele origin: germline.

Blueprint Genetics
Classification: Benign. Last evaluated: 2024-11-27. Review status: criteria provided, single submitter. Criteria: ACMG Guidelines, 2015. Collection method: clinical testing. Allele origin: germline.

ARUP Laboratories, Molecular Genetics and Genomics, ARUP Laboratories
Classification: Benign for Retinitis pigmentosa 25. Last evaluated: 2023-11-29. Review status: criteria provided, single submitter. Criteria: ARUP Molecular Germline Variant Investigation Process 2024. Collection method: clinical testing. Allele origin: germline.

Dept Of Ophthalmology, Nagoya University
Classification: Benign for Retinal dystrophy. Last evaluated: 2023-10-01. Review status: criteria provided, single submitter. Criteria: Submitter's publication. Collection method: research. Allele origin: germline. Affected: yes.

Women's Health and Genetics/Laboratory Corporation of America, LabCorp
Classification: Benign. Last evaluated: 2023-04-17. Review status: criteria provided, single submitter. Criteria: LabCorp Variant Classification Summary - May 2015. Collection method: clinical testing. Allele origin: germline.

Genome-Nilou Lab
Classification: Benign for Retinitis pigmentosa 25. Last evaluated: 2021-07-01. Review status: criteria provided, single submitter. Criteria: ACMG Guidelines, 2015. Collection method: clinical testing. Allele origin: germline. Affected: no.

Illumina Laboratory Services, Illumina
Classification: Benign for Retinitis pigmentosa. Last evaluated: 2018-01-12. Review status: criteria provided, single submitter. Criteria: ICSL Variant Classification Criteria 13 December 2019. Collection method: clinical testing. Allele origin: germline.
Comment: This variant was observed in the ICSL laboratory as part of a predisposition screen in an ostensibly healthy population. It had not been previously curated by ICSL or reported in the Human Gene Mutation Database (HGMD: prior to June 1st, 2018), and was therefore a candidate for classification through an automated scoring system. Utilizing variant allele frequency, disease prevalence and penetrance estimates, and inheritance mode, an automated score was calculated to assess if this variant is too frequent to cause the disease. Based on the score and internal cut-off values, a variant classified as benign is not then subjected to further curation. The score for this variant resulted in a classification of benign for this disease.

Clinical Genetics DNA and cytogenetics Diagnostics Lab, Erasmus MC, Erasmus Medical Center
Classification: Likely benign for Retinitis pigmentosa 25. Last evaluated: 2017-06-28. Review status: criteria provided, single submitter. Criteria: ACGS Guidelines, 2013. Collection method: clinical testing. Allele origin: germline. Affected: yes. Study: VKGL Data-share Consensus.

Eurofins Ntd Llc (ga)
Classification: Benign. Last evaluated: 2014-03-17. Review status: criteria provided, single submitter. Criteria: EGL Classification Definitions 2015. Collection method: clinical testing. Allele origin: germline. Observed: 5 variant alleles, 2 heterozygotes, 3 homozygotes.

GeneDx
Classification: Benign. Last evaluated: 2011-07-05. Review status: criteria provided, single submitter. Criteria: GeneDx Variant Classification (06012015). Collection method: clinical testing. Allele origin: germline. Affected: yes.
Comment: This variant is considered likely benign or benign based on one or more of the following criteria: it is a conservative change, it occurs at a poorly conserved position in the protein, it is predicted to be benign by multiple in silico algorithms, and/or has population frequency not consistent with disease.

Breakthrough Genomics
Classification: Likely benign. Review status: criteria provided, single submitter. Criteria: ACMG Guidelines, 2015. Collection method: not provided. Allele origin: germline. Inheritance: Autosomal recessive inheritance. Affected: yes.

Natera, Inc.
Classification: Benign for Retinitis pigmentosa. Last evaluated: 2020-09-16. Review status: no assertion criteria provided. Collection method: clinical testing. Allele origin: germline. Not counted in ClinVar's aggregate classification.

Diagnostic Laboratory, Department of Genetics, University Medical Center Groningen
Classification: Benign for Retinitis pigmentosa 25. Review status: no assertion criteria provided. Collection method: clinical testing. Allele origin: germline. Affected: yes. Study: VKGL Data-share Consensus. Not counted in ClinVar's aggregate classification.

Joint Genome Diagnostic Labs from Nijmegen and Maastricht, Radboudumc and MUMC+
Classification: Benign. Review status: no assertion criteria provided. Collection method: clinical testing. Allele origin: germline. Affected: yes. Study: VKGL Data-share Consensus. Not counted in ClinVar's aggregate classification.

NM_001142800.2(EYS):c.1809C>T (p.Val603=)

Gene: EYS (EGF-like photoreceptor maintenance factor; minus strand). Cytogenetic location: 6q12.
Variant type: single nucleotide variant.
Coding change: c.1809C>T on transcript NM_001142800.2 (MANE Select); coding-DNA position 1809, C replaced by T.
Protein change: p.Val603=; no amino-acid change (valine 603 retained).
Molecular consequence: synonymous variant.
Genome position (GRCh38, 1-based): chr6:65,296,077, G>A on the plus strand (C>T on the coding strand, the complement: EYS is on the minus strand). VCF-style: chr6-65296077-G-A. GRCh37 (hg19) VCF-style: chr6-66005970-G-A.
Other names: p.V603V:GTC>GTT; c.1809C>T, p.Val603= (NM_001292009.2); c.1809C>T (FM209056.1).
Identifiers: ClinVar variation 137266 (VCV000137266.37), dbSNP rs9345601, ClinGen allele CA180022.
Genomic context (GRCh38, chr6:65,296,077, plus strand): 5'-AAGGGCCAGGCAGAGGCCATGCACTGATATACTGTGGTTCCCTAAGCAATAGTCAACATT[G>A]ACAACACACAATCTGCCAATGTAACTAAGAGAACAGCTGCATCTGAAACACAGAGAAATG-3'
Protein context (NP_001136272.1, residues 593-613): SLSYIGRLCV[Val603=]NVDYCLGNHS